The following is an entry in ClinVar:

NM_001386298.1(CIC):c.2646G>A (p.Pro882=)

Gene: CIC (capicua transcriptional repressor; plus strand). Cytogenetic location: 19q13.2.
Variant type: single nucleotide variant.
Coding change: c.2646G>A on transcript NM_001386298.1 (MANE Select); coding-DNA position 2646, G replaced by A.
Protein change: p.Pro882=; no amino-acid change (proline 882 retained).
Molecular consequence: synonymous variant.
Genome position (GRCh38, 1-based): chr19:42,274,429, G>A. VCF-style: chr19-42274429-G-A. GRCh37 (hg19) VCF-style: chr19-42778581-G-A.
Other names: c.2646G>A, p.Pro882= (NM_001304815.2, NM_001379480.1, NM_001379482.1 and 6 more transcripts).
Identifiers: ClinVar variation 4822262 (VCV004822262.4).
Genomic context (GRCh38, chr19:42,274,429, plus strand): 5'-TCTGCCAGCCCCCGTGCCCATCACCGTGCCTCCAGCTGCACCAACTGCCGTGGCCCAGCC[G>A]ATGCCCGCCTTTGGCCTGGCTTCTTCACCCTTTCAGCCTGTGGCCTTCCACCCCTCACCT-3'
Protein context (NP_001373227.1, residues 872-892): PPAAPTAVAQ[Pro882=]MPAFGLASSP

ClinVar aggregate classification (germline): Likely benign (1 of 4 stars; one submission).

gnomAD v4.1: 4 of 399,018 alleles (0.001%); highest among the groups gnomAD compares: East Asian, 0.011%; 1 homozygote.

Submission:

CeGaT Center for Human Genetics Tuebingen
Classification: Likely benign. Last evaluated: 2026-02-01. Review status: criteria provided, single submitter. Criteria: CeGaT Center For Human Genetics Tuebingen Variant Classification Criteria Version 2. Collection method: clinical testing. Allele origin: germline. Affected: yes. Observed: 1 variant allele.
Comment: CIC: BP4, BP7